The following is an entry in ClinVar:

NM_000553.6(WRN):c.2468C>G (p.Ala823Gly)

Gene: WRN (WRN RecQ like helicase; plus strand). Cytogenetic location: 8p12.
Variant type: single nucleotide variant.
Coding change: c.2468C>G on transcript NM_000553.6 (MANE Select); coding-DNA position 2468, C replaced by G.
Protein change: p.Ala823Gly; replaces alanine 823 with glycine.
Molecular consequence: missense variant.
Genome position (GRCh38, 1-based): chr8:31,120,262, C>G. VCF-style: chr8-31120262-C-G. GRCh37 (hg19) VCF-style: chr8-30977778-C-G.
Other names: short protein forms A823G.
Identifiers: ClinVar variation 3674168 (VCV003674168.2).
Genomic context (GRCh38, chr8:31,120,262, plus strand): 5'-GCTAAATATGTTTGTCAAACTGTGTTGTGATTTGTTCTCAGTGTGTCATAGCTACCATAG[C>G]TTTTGGAATGGGCATTAATAAAGCTGACATTCGCCAAGTCATTCATTACGGTGCTCCTAA-3'
Protein context (NP_000544.2, residues 813-833): DEIQCVIATI[Ala823Gly]FGMGINKADI

ClinVar aggregate classification (germline): Uncertain significance (1 of 4 stars; one submission).

Conditions:
Werner syndrome (WRN). Identifiers: Orphanet 902, MedGen C0043119, MONDO:0010196, OMIM 277700.

Submission:

Labcorp Genetics (formerly Invitae), Labcorp
Classification: Uncertain significance for Werner syndrome. Last evaluated: 2024-10-16. Review status: criteria provided, single submitter. Criteria: Invitae Variant Classification Sherloc (09022015). Collection method: clinical testing. Allele origin: germline.
Comment: This sequence change replaces alanine, which is neutral and non-polar, with glycine, which is neutral and non-polar, at codon 823 of the WRN protein (p.Ala823Gly). This variant is not present in population databases (gnomAD no frequency). This variant has not been reported in the literature in individuals affected with WRN-related conditions. An algorithm developed to predict the effect of missense changes on protein structure and function (PolyPhen-2) suggests that this variant is likely to be disruptive. In summary, the available evidence is currently insufficient to determine the role of this variant in disease. Therefore, it has been classified as a Variant of Uncertain Significance.